The following is an entry in ClinVar:

NM_004006.3(DMD):c.2106A>T (p.Glu702Asp)

Gene: DMD (dystrophin; minus strand). Cytogenetic location: Xp21.1.
Variant type: single nucleotide variant.
Coding change: c.2106A>T on transcript NM_004006.3 (MANE Select); coding-DNA position 2106, A replaced by T.
Protein change: p.Glu702Asp; replaces glutamic acid 702 with aspartic acid.
Molecular consequence: missense variant.
Genome position (GRCh38, 1-based): chrX:32,545,221, T>A on the plus strand (A>T on the coding strand, the complement: DMD is on the minus strand). VCF-style: chrX-32545221-T-A. GRCh37 (hg19) VCF-style: chrX-32563338-T-A.
Other names: c.2082A>T, p.Glu694Asp (NM_000109.4); c.2094A>T, p.Glu698Asp (NM_004009.3); c.1737A>T, p.Glu579Asp (NM_004010.3); short protein forms E579D, E694D, E702D, E698D.
Identifiers: ClinVar variation 2199393 (VCV002199393.1), dbSNP rs2048857501, ClinGen allele CA412667840.
Genomic context (GRCh38, chrX:32,545,221, plus strand): 5'-TTTCCTAATTTCAGAATCCACAGTAATCTGCCTCTTCTTTTGGGGAGGTGGTGGTGGAAG[T>A]TCCTCTTGAGCATGCTTTACCAGGATCTGTTCCCTTGTGGTCACCGTAGTTACTGTTTCC-3'
Protein context (NP_003997.2, residues 692-712): EQILVKHAQE[Glu702Asp]LPPPPPQKKR

ClinVar aggregate classification (germline): Uncertain significance (1 of 4 stars; one submission).

Conditions:
Duchenne muscular dystrophy (DMD). Also called: MUSCULAR DYSTROPHY, PSEUDOHYPERTROPHIC PROGRESSIVE, DUCHENNE TYPE; Duchenne Muscular Dystrophy (DMD). Identifiers: Orphanet 98896, MedGen C0013264, MONDO:0010679, OMIM 310200.

Allele frequency attached by ClinVar (database versions not stated): gnomAD exomes below 0.00001; TOPMed 0.00001.
gnomAD v4.1: 2 of 1,210,913 alleles (0.00017%); highest among the groups gnomAD compares: Non-Finnish European, 0.00022%; no homozygotes.

Submission:

Labcorp Genetics (formerly Invitae), Labcorp
Classification: Uncertain significance for Duchenne muscular dystrophy. Last evaluated: 2022-05-05. Review status: criteria provided, single submitter. Criteria: Invitae Variant Classification Sherloc (09022015). Collection method: clinical testing. Allele origin: germline.
Comment: This sequence change replaces glutamic acid, which is acidic and polar, with aspartic acid, which is acidic and polar, at codon 702 of the DMD protein (p.Glu702Asp). This variant is not present in population databases (gnomAD no frequency). This variant has not been reported in the literature in individuals affected with DMD-related conditions. Algorithms developed to predict the effect of missense changes on protein structure and function are either unavailable or do not agree on the potential impact of this missense change (SIFT: "Tolerated"; PolyPhen-2: "Possibly Damaging"; Align-GVGD: "Class C0"). In summary, the available evidence is currently insufficient to determine the role of this variant in disease. Therefore, it has been classified as a Variant of Uncertain Significance.